The following is an entry in ClinVar:

ClinVar aggregate classification (germline): Uncertain significance (1 of 4 stars; one submission).

gnomAD v4.1: 43 of 1,586,560 alleles (0.0027%); highest among the groups gnomAD compares: Non-Finnish European, 0.0035%; no homozygotes.

Submission:

Ambry Genetics
Classification: Uncertain significance. Last evaluated: 2025-01-29. Review status: criteria provided, single submitter. Criteria: Ambry Variant Classification Scheme 2023. Collection method: clinical testing. Allele origin: germline.
Comment: The p.L1025F variant (also known as c.3073C>T), located in coding exon 12 of the WNK2 gene, results from a C to T substitution at nucleotide position 3073. The leucine at codon 1025 is replaced by phenylalanine, an amino acid with highly similar properties. This amino acid position is conserved. In addition, this alteration is predicted to be tolerated by in silico analysis. Based on the available evidence, the clinical significance of this variant remains unclear.

NM_006648.4(WNK2):c.3073C>T (p.Leu1025Phe)

Gene: WNK2 (WNK lysine deficient protein kinase 2; plus strand). Cytogenetic location: 9q22.31.
Variant type: single nucleotide variant.
Coding change: c.3073C>T on transcript NM_006648.4 (MANE Select); coding-DNA position 3073, C replaced by T.
Protein change: p.Leu1025Phe; replaces leucine 1025 with phenylalanine.
Molecular consequence: missense variant.
Genome position (GRCh38, 1-based): chr9:93,261,820, C>T. VCF-style: chr9-93261820-C-T. GRCh37 (hg19) VCF-style: chr9-96024102-C-T.
Other names: c.3073C>T, p.Leu1025Phe (NM_001282394.3); short protein forms L1025F.
Identifiers: ClinVar variation 3816940 (VCV003816940.1).